The following is an entry in ClinVar:

ClinVar aggregate classification (germline): Uncertain significance (1 of 4 stars; one submission).

Conditions:
Myopathy, myofibrillar, 9, with early respiratory failure (MFM9). Also called: MYOPATHY, PROXIMAL, WITH EARLY RESPIRATORY MUSCLE INVOLVEMENT; Hereditary myopathy with early respiratory failure; Myopathy, distal, with early respiratory failure, autosomal dominant; EDSTROM MYOPATHY. Identifiers: Orphanet 178464, Orphanet 34521, MedGen C1863599, MONDO:0011362, OMIM 603689.
Dilated cardiomyopathy 1G (CMD1G). Identifiers: Orphanet 154, MedGen C1858763, MONDO:0011400, OMIM 604145.
Early-onset myopathy with fatal cardiomyopathy (CMYO5). Also called: Salih Myopathy; CONGENITAL MYOPATHY 5 WITH CARDIOMYOPATHY. Identifiers: Orphanet 289377, MedGen C2673677, MONDO:0012714, OMIM 611705. Disease mechanism: loss of function.
Tibial muscular dystrophy (TMD). Also called: Udd Distal Myopathy – Tibial Muscular Dystrophy; Tibial muscular dystrophy, tardive; UDD MYOPATHY. Identifiers: Orphanet 609, MedGen C1838244, MONDO:0010870, OMIM 600334.
Hypertrophic cardiomyopathy 9. Also called: Familial hypertrophic cardiomyopathy 9. Identifiers: MedGen C1861065, MONDO:0013412, OMIM 613765.
Autosomal recessive limb-girdle muscular dystrophy type 2J (LGMDR10). Also called: Limb-girdle muscular dystrophy, type 2J; MUSCULAR DYSTROPHY, LIMB-GIRDLE, AUTOSOMAL RECESSIVE 10. Identifiers: Orphanet 140922, MedGen C1837342, MONDO:0012127, OMIM 608807.

Submission:

Juno Genomics, Hangzhou Juno Genomics, Inc
Classification: Uncertain significance for Hypertrophic cardiomyopathy 9; Dilated cardiomyopathy 1G; Early-onset myopathy with fatal cardiomyopathy; Autosomal recessive limb-girdle muscular dystrophy type 2J; Myopathy, myofibrillar, 9, with early respiratory failure; Tibial muscular dystrophy. Review status: criteria provided, single submitter. Criteria: ACMG Guidelines, 2015. Collection method: clinical testing. Allele origin: germline.
Comment: Absent from controls (or at extremely low frequency if recessive) in Genome Aggregation Database.;Missense variant in a gene that has a low rate of benign missense variation.;Multiple lines of computational evidence support a deleterious effect on the gene or gene product.

NM_001267550.2(TTN):c.28079T>C (p.Ile9360Thr)

Gene: TTN (titin; minus strand). Cytogenetic location: 2q31.2.
Variant type: single nucleotide variant.
Coding change: c.28079T>C on transcript NM_001267550.2 (MANE Select); coding-DNA position 28079, T replaced by C.
Protein change: p.Ile9360Thr; replaces isoleucine 9360 with threonine.
Molecular consequence: missense variant. On other transcripts: intron variant (3).
Genome position (GRCh38, 1-based): chr2:178,711,157, A>G on the plus strand (T>C on the coding strand, the complement: TTN is on the minus strand). VCF-style: chr2-178711157-A-G. GRCh37 (hg19) VCF-style: chr2-179575884-A-G.
Other names: c.27128T>C, p.Ile9043Thr (NM_001256850.1); c.24347T>C, p.Ile8116Thr (NM_133378.4); c.13282+26925T>C (NM_003319.4); c.13858+26925T>C (NM_133437.4); c.13657+26925T>C (NM_133432.3); short protein forms I8116T, I9043T, I9360T.
Identifiers: ClinVar variation 5007907 (VCV005007907.2).
Genomic context (GRCh38, chr2:178,711,157, plus strand): 5'-CCTATAGGGTTTGTAGCTGTGCAGGAATACTGGCCTGCAAGGCTCCGGTCAGTTTTAAAA[A>G]TATTGAGTGTGGCTGTATTGTCTAAAAATGATGTTTGTACATTTGGGCTGTCTTTCAATG-3'
Protein context (NP_001254479.2, residues 9350-9370): SFLDNTATLN[Ile9360Thr]FKTDRSLAGQ